The following is an entry in ClinVar:

NM_198282.4(STING1):c.4C>T (p.Pro2Ser)

Gene: STING1 (stimulator of interferon response cGAMP interactor 1; minus strand). Cytogenetic location: 5q31.2.
Variant type: single nucleotide variant.
Coding change: c.4C>T on transcript NM_198282.4 (MANE Select); coding-DNA position 4, C replaced by T.
Protein change: p.Pro2Ser; replaces proline 2 with serine.
Molecular consequence: missense variant. On other transcripts: intron variant (1).
Genome position (GRCh38, 1-based): chr5:139,481,701, G>A on the plus strand (C>T on the coding strand, the complement: STING1 is on the minus strand). VCF-style: chr5-139481701-G-A. GRCh37 (hg19) VCF-style: chr5-138861286-G-A.
Other names: c.4C>T, p.Pro2Ser (NM_001301738.2); c.-130-359C>T (NM_001367258.1); short protein forms P2S.
Identifiers: ClinVar variation 948262 (VCV000948262.10), dbSNP rs1223377482, ClinGen allele CA361482059.

ClinVar aggregate classification (germline): Uncertain significance (1 of 4 stars; one submission).

Conditions:
STING-associated vasculopathy with onset in infancy. Also called: Sting-associated vasculopathy, infantile-onset. Identifiers: Orphanet 425120, MedGen C4014722, MONDO:0014405, OMIM 615934.

Allele frequency attached by ClinVar (database versions not stated): TOPMed below 0.00001; gnomAD 0.00001; gnomAD exomes 0.00004 and below 0.00001.
gnomAD v4.1: 51 of 1,596,158 alleles (0.0032%); highest among the groups gnomAD compares: Non-Finnish European, 0.0044%; no homozygotes.

Submission:

Labcorp Genetics (formerly Invitae), Labcorp
Classification: Uncertain significance for STING-associated vasculopathy with onset in infancy. Last evaluated: 2025-01-13. Review status: criteria provided, single submitter. Criteria: Invitae Variant Classification Sherloc (09022015). Collection method: clinical testing. Allele origin: germline.
Comment: This sequence change replaces proline, which is neutral and non-polar, with serine, which is neutral and polar, at codon 2 of the TMEM173 protein (p.Pro2Ser). This variant is present in population databases (no rsID available, gnomAD 0.0009%). This variant has not been reported in the literature in individuals affected with TMEM173-related conditions. ClinVar contains an entry for this variant (Variation ID: 948262). An algorithm developed to predict the effect of missense changes on protein structure and function outputs the following: PolyPhen-2: "Benign". The serine amino acid residue is found in multiple mammalian species, which suggests that this missense change does not adversely affect protein function. In summary, the available evidence is currently insufficient to determine the role of this variant in disease. Therefore, it has been classified as a Variant of Uncertain Significance.